The following is an entry in ClinVar:

NM_002444.3(MSN):c.886A>C (p.Lys296Gln)

Gene: MSN (moesin; plus strand). Cytogenetic location: Xq12.
Variant type: single nucleotide variant.
Coding change: c.886A>C on transcript NM_002444.3 (MANE Select); coding-DNA position 886, A replaced by C.
Protein change: p.Lys296Gln; replaces lysine 296 with glutamine.
Molecular consequence: missense variant.
Genome position (GRCh38, 1-based): chrX:65,735,357, A>C. VCF-style: chrX-65735357-A-C. GRCh37 (hg19) VCF-style: chrX-64955219-A-C.
Other names: short protein forms K296Q.
Identifiers: ClinVar variation 3663074 (VCV003663074.2).

ClinVar aggregate classification (germline): Uncertain significance (1 of 4 stars; one submission).

Submission:

Labcorp Genetics (formerly Invitae), Labcorp
Classification: Uncertain significance. Last evaluated: 2024-08-20. Review status: criteria provided, single submitter. Criteria: Invitae Variant Classification Sherloc (09022015). Collection method: clinical testing. Allele origin: germline.
Comment: This sequence change replaces lysine, which is basic and polar, with glutamine, which is neutral and polar, at codon 296 of the MSN protein (p.Lys296Gln). This variant is not present in population databases (gnomAD no frequency). This variant has not been reported in the literature in individuals affected with MSN-related conditions. An algorithm developed to predict the effect of missense changes on protein structure and function (PolyPhen-2) suggests that this variant is likely to be tolerated. In summary, the available evidence is currently insufficient to determine the role of this variant in disease. Therefore, it has been classified as a Variant of Uncertain Significance.